The following is an entry in ClinVar:

NC_000005.10:g.112707396C>T

Gene: APC (APC regulator of Wnt signaling pathway; plus strand). Cytogenetic location: 5q22.2.
Variant type: single nucleotide variant.
Genome position: GRCh38 VCF-style: chr5-112707396-C-T. GRCh37 (hg19) VCF-style: chr5-112043093-C-T.
Identifiers: ClinVar variation 1054085 (VCV001054085.8), dbSNP rs1750555186, ClinGen allele CA1573442241.

ClinVar aggregate classification (germline): Uncertain significance (1 of 4 stars; one submission).

Conditions:
Familial adenomatous polyposis 1 (FAP1). Also called: FAMILIAL ADENOMATOUS POLYPOSIS 1, ATTENUATED; POLYPOSIS, ADENOMATOUS INTESTINAL. Identifiers: MedGen C2713442, MONDO:0021056, OMIM 175100. Disease mechanism: loss of function.

Allele frequency attached by ClinVar (database versions not stated): gnomAD exomes below 0.00001; TOPMed below 0.00001.

Submission:

Labcorp Genetics (formerly Invitae), Labcorp
Classification: Uncertain significance for Familial adenomatous polyposis 1. Last evaluated: 2026-02-02. Review status: criteria provided, single submitter. Criteria: Invitae Variant Classification Sherloc (09022015). Collection method: clinical testing. Allele origin: germline.
Comment: This variant occurs in a non-coding region of the APC gene. It does not change the encoded amino acid sequence of the APC protein. This variant is not present in population databases (gnomAD no frequency). This variant has not been reported in the literature in individuals affected with APC-related conditions. Experimental studies and prediction algorithms are not available or were not evaluated, and the functional significance of this variant is currently unknown. In summary, the available evidence is currently insufficient to determine the role of this variant in disease. Therefore, it has been classified as a Variant of Uncertain Significance.